The following is an entry in ClinVar:

NM_001353108.3(CEP63):c.764T>A (p.Leu255Ter)

Gene: CEP63 (centrosomal protein 63; plus strand). Cytogenetic location: 3q22.2.
Variant type: single nucleotide variant.
Coding change: c.764T>A on transcript NM_001353108.3 (MANE Select); coding-DNA position 764, T replaced by A.
Protein change: p.Leu255Ter; replaces leucine 255 with a stop codon.
Molecular consequence: nonsense. On other transcripts: non-coding transcript variant (4).
Genome position (GRCh38, 1-based): chr3:134,545,794, T>A. VCF-style: chr3-134545794-T-A. GRCh37 (hg19) VCF-style: chr3-134264636-T-A.
Other names: c.764T>A, p.Leu255Ter (NM_001042383.2, NM_001042384.2, NM_001042400.3 and 13 more transcripts); c.791T>A, p.Leu264Ter (NM_001353118.1); c.680T>A, p.Leu227Ter (NM_001353125.2); c.401T>A, p.Leu134Ter (NM_001353126.2); short protein forms L255*, L134*, L227*, L264*.
Identifiers: ClinVar variation 2073767 (VCV002073767.4), dbSNP rs775712041, ClinGen allele CA2628472.
Genomic context (GRCh38, chr3:134,545,794, plus strand): 5'-ATGACTTGGTTGGAACCAGTATGACTGTCCTACAGGAGCAGCAGCAAAAAGAAGAAAAAT[T>A]GAGGGAATCTGAAAAACTATTAGAGGTATGTTTTAAAATCACTATAATTGGGGGAAGTGT-3'

ClinVar aggregate classification (germline): Conflicting classifications of pathogenicity. Review status: criteria provided, conflicting classifications (1 of 4 stars). 2 submissions from 2 submitters: Pathogenic (1); Uncertain significance (1). Last evaluated 2024-03-20.

Allele frequency attached by ClinVar (database versions not stated): TOPMed 0.00001; gnomAD 0.00002; ExAC 0.00010.
gnomAD v4.1: 31 of 1,613,366 alleles (0.0019%); highest among the groups gnomAD compares: Non-Finnish European, 0.0025%; no homozygotes.

Submissions (2):

Labcorp Genetics (formerly Invitae), Labcorp
Classification: Pathogenic. Last evaluated: 2024-03-20. Review status: criteria provided, single submitter. Criteria: Invitae Variant Classification Sherloc (09022015). Collection method: clinical testing. Allele origin: germline.
Comment: This sequence change creates a premature translational stop signal (p.Leu255*) in the CEP63 gene. It is expected to result in an absent or disrupted protein product. Loss-of-function variants in CEP63 are known to be pathogenic (PMID: 21983783, 23936128, 26158450). This variant is present in population databases (rs775712041, gnomAD 0.01%). This variant has not been reported in the literature in individuals affected with CEP63-related conditions. ClinVar contains an entry for this variant (Variation ID: 2073767). For these reasons, this variant has been classified as Pathogenic.

Blueprint Genetics
Classification: Uncertain significance. Last evaluated: 2023-12-13. Review status: criteria provided, single submitter. Criteria: ACMG Guidelines, 2015. Collection method: clinical testing. Allele origin: germline.

Literature cited by the submitters: PubMed 21983783 (cited by Labcorp Genetics (formerly Invitae), Labcorp); PubMed 23936128 (cited by Labcorp Genetics (formerly Invitae), Labcorp); PubMed 26158450 (cited by Labcorp Genetics (formerly Invitae), Labcorp).